The following is an entry in ClinVar:

ClinVar aggregate classification (germline): Uncertain significance. Review status: criteria provided, multiple submitters, no conflicts (2 of 4 stars). 2 submissions from 2 submitters: Uncertain significance (2). Last evaluated 2025-04-28.

Conditions:
Inborn genetic diseases. Identifiers: MedGen C0950123, MeSH D030342.

Allele frequency attached by ClinVar (database versions not stated): gnomAD exomes below 0.00001; TOPMed below 0.00001; ExAC 0.00001; gnomAD 0.00001.
gnomAD v4.1: 2 of 1,613,818 alleles (0.00012%); highest among the groups gnomAD compares: East Asian, 0.0045%; no homozygotes.

Submissions (2):

Ambry Genetics
Classification: Uncertain significance for Inborn genetic diseases. Last evaluated: 2025-04-28. Review status: criteria provided, single submitter. Criteria: Ambry Variant Classification Scheme 2023. Collection method: clinical testing. Allele origin: germline.

Labcorp Genetics (formerly Invitae), Labcorp
Classification: Uncertain significance. Last evaluated: 2024-03-26. Review status: criteria provided, single submitter. Criteria: Invitae Variant Classification Sherloc (09022015). Collection method: clinical testing. Allele origin: germline.
Comment: This sequence change replaces phenylalanine, which is neutral and non-polar, with leucine, which is neutral and non-polar, at codon 255 of the CASQ1 protein (p.Phe255Leu). This variant is present in population databases (rs780557082, gnomAD 0.006%). This variant has not been reported in the literature in individuals affected with CASQ1-related conditions. Advanced modeling of protein sequence and biophysical properties (such as structural, functional, and spatial information, amino acid conservation, physicochemical variation, residue mobility, and thermodynamic stability) performed at Invitae indicates that this missense variant is not expected to disrupt CASQ1 protein function with a negative predictive value of 80%. In summary, the available evidence is currently insufficient to determine the role of this variant in disease. Therefore, it has been classified as a Variant of Uncertain Significance.

NM_001231.5(CASQ1):c.763T>C (p.Phe255Leu)

Gene: CASQ1 (calsequestrin 1; plus strand). Cytogenetic location: 1q23.2.
Variant type: single nucleotide variant.
Coding change: c.763T>C on transcript NM_001231.5 (MANE Select); coding-DNA position 763, T replaced by C.
Protein change: p.Phe255Leu; replaces phenylalanine 255 with leucine.
Molecular consequence: missense variant.
Genome position (GRCh38, 1-based): chr1:160,196,008, T>C. VCF-style: chr1-160196008-T-C. GRCh37 (hg19) VCF-style: chr1-160165798-T-C.
Other names: c.763T>C (NM_001231.4); short protein forms F255L.
Identifiers: ClinVar variation 2964318 (VCV002964318.4), dbSNP rs780557082, ClinGen allele CA1196316.